The following is an entry in ClinVar:

ClinVar aggregate classification (germline): Likely pathogenic. Review status: criteria provided, multiple submitters, no conflicts (2 of 4 stars). 2 submissions from 2 submitters: Likely pathogenic (2). Last evaluated 2026-09-08.

Conditions:
Fabry disease. Also called: Fabry's disease; ALPHA-GALACTOSIDASE A DEFICIENCY; ANDERSON-FABRY DISEASE; CERAMIDE TRIHEXOSIDASE DEFICIENCY; Ceramide trihexosidosis; GLA DEFICIENCY. Identifiers: Orphanet 324, MedGen C0002986, MONDO:0010526, OMIM 301500, HP:0001071. Disease mechanism: Fabry disease is due to inactivating mutations in the X-linked GLA gene resulting in deficiency of the enzyme Alpha Galactosidase-A., loss of function.

Allele frequency attached by ClinVar (database versions not stated): gnomAD exomes below 0.00001.
gnomAD v4.1: 3 of 1,211,186 alleles (0.00025%); highest among the groups gnomAD compares: South Asian, 0.0018%; no homozygotes.

Submissions (2):

Genomenon, Inc
Classification: Likely pathogenic for Fabry disease. Last evaluated: 2026-09-08. Review status: criteria provided, single submitter. Criteria: Genomenon Sequence Variant Interpretation Standards - Updated. Collection method: curation. Allele origin: germline. Affected: yes.
Comment: GLA p.Val390Met (c.1168G>A) is a missense variant that changes the amino acid at codon 390 from Valine to Methionine. This variant has been observed in at least one proband with clinical features consistent with Fabry disease (PMID:32442237). At least one functional study has demonstrated a substantial alteration in protein function relative to the wild-type (PMID:23935525). It is absent or not present at a significant frequency in gnomAD. In conclusion, we classify GLA p.Val390Met (c.1168G>A) as a likely pathogenic variant.

Women's Health and Genetics/Laboratory Corporation of America, LabCorp
Classification: Likely pathogenic for Fabry disease. Last evaluated: 2023-06-21. Review status: criteria provided, single submitter. Criteria: LabCorp Variant Classification Summary - May 2015. Collection method: clinical testing. Allele origin: germline.
Comment: Variant summary: GLA c.1168G>A (p.Val390Met) results in a conservative amino acid change located in the C-terminal beta-sandwich domain (IPR035373) of the encoded protein sequence. Four of five in-silico tools predict a benign effect of the variant on protein function. The variant allele was found at a frequency of 5.5e-06 in 183478 control chromosomes (i.e. in one hemizygote) in the gnomAD database (v2.1.1 exomes dataset). These data indicate that the variant may be associated with disease. At least one publication reported experimental evidence evaluating an impact on protein function, and demonstrated absent GLA activity in an in vitro study, furthermore the enzyme activity was shown to be non-responsive to 1-deoxygalactonojirimycin (DGJ) treatment (Lukas_2013). The following publications have been ascertained in the context of this evaluation (PMID: 27532257, 32442237, 23935525). No submitters have cited clinical-significance assessments for this variant to ClinVar after 2014. Based on the evidence outlined above, the variant was classified as likely pathogenic.

Literature cited by the submitters: PubMed 32442237 (cited by Genomenon, Inc and Women's Health and Genetics/Laboratory Corporation of America, LabCorp); PubMed 23935525 (cited by Genomenon, Inc and Women's Health and Genetics/Laboratory Corporation of America, LabCorp); PubMed 27532257 (cited by Women's Health and Genetics/Laboratory Corporation of America, LabCorp).

NM_000169.3(GLA):c.1168G>A (p.Val390Met)

Genes: GLA (galactosidase alpha; minus strand), RPL36A-HNRNPH2 (RPL36A-HNRNPH2 readthrough; plus strand). Cytogenetic location: Xq22.1.
Variant type: single nucleotide variant.
Coding change: c.1168G>A on transcript NM_000169.3 (MANE Select); coding-DNA position 1168, G replaced by A.
Protein change: p.Val390Met; replaces valine 390 with methionine.
Molecular consequence: missense variant. On other transcripts: non-coding transcript variant (3), intron variant (2).
Genome position (GRCh38, 1-based): chrX:101,397,931, C>T on the plus strand (G>A on the coding strand, the complement: GLA is on the minus strand). VCF-style: chrX-101397931-C-T. GRCh37 (hg19) VCF-style: chrX-100652919-C-T.
Other names: c.1291G>A, p.Val431Met (NM_001406747.1); c.300+2474C>T (NM_001199973.2); c.177+6109C>T (NM_001199974.2); short protein forms V390M, V431M.
Identifiers: ClinVar variation 2573378 (VCV002573378.3), dbSNP rs1555984776, ClinGen allele CA413919966.